The following is an entry in ClinVar:

ClinVar aggregate classification (germline): Uncertain significance (1 of 4 stars; one submission).

Conditions:
Inborn genetic diseases. Identifiers: MedGen C0950123, MeSH D030342.

Submission:

Ambry Genetics
Classification: Uncertain significance for Inborn genetic diseases. Last evaluated: 2025-07-25. Review status: criteria provided, single submitter. Criteria: Ambry Variant Classification Scheme 2023. Collection method: clinical testing. Allele origin: germline.
Comment: The p.Q997R variant (also known as c.2990A>G), located in coding exon 24 of the ANKRD26 gene, results from an A to G substitution at nucleotide position 2990. The glutamine at codon 997 is replaced by arginine, an amino acid with highly similar properties. This amino acid position is conserved. In addition, this alteration is predicted to be tolerated by in silico analysis. Based on the available evidence, the clinical significance of this variant remains unclear.

NM_014915.3(ANKRD26):c.2990A>G (p.Gln997Arg)

Gene: ANKRD26 (ankyrin repeat domain containing 26; minus strand). Cytogenetic location: 10p12.1.
Variant type: single nucleotide variant.
Coding change: c.2990A>G on transcript NM_014915.3 (MANE Select); coding-DNA position 2990, A replaced by G.
Protein change: p.Gln997Arg; replaces glutamine 997 with arginine.
Molecular consequence: missense variant.
Genome position (GRCh38, 1-based): chr10:27,035,460, T>C on the plus strand (A>G on the coding strand, the complement: ANKRD26 is on the minus strand). VCF-style: chr10-27035460-T-C. GRCh37 (hg19) VCF-style: chr10-27324389-T-C.
Other names: c.2987A>G, p.Gln996Arg (NM_001256053.2); short protein forms Q996R, Q997R.
Identifiers: ClinVar variation 4103767 (VCV004103767.1).